The following is an entry in ClinVar:

ClinVar aggregate classification (germline): Likely benign (1 of 4 stars; one submission).

gnomAD v4.1: 15 of 759,724 alleles (0.002%); highest among the groups gnomAD compares: Non-Finnish European, 0.0037%; no homozygotes.

Submission:

Molecular Diagnostic Laboratory for Inherited Cardiovascular Disease, Montreal Heart Institute
Classification: Likely benign. Last evaluated: 2026-09-21. Review status: criteria provided, single submitter. Criteria: ACMG Guidelines, 2015. Collection method: clinical testing. Allele origin: germline. Affected: no.
Comment: BP4

NM_000302.4(PLOD1):c.741+183A>G

Gene: PLOD1 (procollagen-lysine,2-oxoglutarate 5-dioxygenase 1; plus strand). Cytogenetic location: 1p36.22.
Variant type: single nucleotide variant.
Coding change: c.741+183A>G on transcript NM_000302.4 (MANE Select); 183 bases into the intron after coding-DNA position 741, A replaced by G.
Molecular consequence: intron variant.
Genome position (GRCh38, 1-based): chr1:11,957,197, A>G. VCF-style: chr1-11957197-A-G. GRCh37 (hg19) VCF-style: chr1-12017254-A-G.
Other names: c.882+183A>G (NM_001316320.2).
Identifiers: ClinVar variation 5037879 (VCV005037879.1), dbSNP rs377138951.